The following is an entry in ClinVar:

ClinVar aggregate classification (germline): Pathogenic (1 of 4 stars; one submission).

Conditions:
Ataxia-telangiectasia syndrome (AT). Also called: Cerebello-oculocutaneous telangiectasia; Immunodeficiency with ataxia telangiectasia; Ataxia-telangiectasia, complementation group E; LOUIS-BAR SYNDROME; AT, COMPLEMENTATION GROUP C; ATAXIA-TELANGIECTASIA, COMPLEMENTATION GROUP A. Identifiers: Orphanet 100, MedGen C0004135, MONDO:0008840, OMIM 208900.

Submission:

Labcorp Genetics (formerly Invitae), Labcorp
Classification: Pathogenic for Ataxia-telangiectasia syndrome. Last evaluated: 2025-11-25. Review status: criteria provided, single submitter. Criteria: Invitae Variant Classification Sherloc (09022015). Collection method: clinical testing. Allele origin: germline.
Comment: This sequence change creates a premature translational stop signal (p.Ile40Leufs*4) in the ATM gene. It is expected to result in an absent or disrupted protein product. Loss-of-function variants in ATM are known to be pathogenic (PMID: 23807571, 25614872). This variant is not present in population databases (gnomAD no frequency). This variant has not been reported in the literature in individuals affected with ATM-related conditions. For these reasons, this variant has been classified as Pathogenic.

Literature cited by the submitters: PubMed 23807571; PubMed 25614872.

NM_000051.4(ATM):c.118del (p.Ile40fs)

Gene: ATM (ATM serine/threonine kinase; plus strand). Cytogenetic location: 11q22.3.
Variant type: Deletion.
Coding change: c.118del on transcript NM_000051.4 (MANE Select); coding-DNA position 118, one base deleted (A; older notation c.118delA).
Protein change: p.Ile40fs; shifts the reading frame from isoleucine 40.
Molecular consequence: frameshift variant.
Genome position (GRCh38, 1-based): chr11:108,227,821, A deleted; the last of 2 consecutive A bases (chr11:108,227,820-108,227,821); deleting either gives the same sequence. VCF-style (leftmost placement, unchanged base first): chr11-108227819-CA-C. GRCh37 (hg19) VCF-style: chr11-108098546-CA-C.
Other names: c.118del, p.Ile40fs (NM_001351834.2, NM_001351835.2, NM_001351836.2); short protein forms I40fs.
Identifiers: ClinVar variation 4731536 (VCV004731536.1).
Genomic context (GRCh38, chr11:108,227,819, plus strand): 5'-TTCCTTTTTATTTTCAGAAAGAAGTTGAGAAATTTAAGCGCCTGATTCGAGATCCTGAAA[CA>C]ATTAAACATCTAGATCGGCATTCAGATTCCAAACAAGGAAAATATTTGAATTGGGATGCT-3'